The following is an entry in ClinVar:

ClinVar aggregate classification (germline): Likely pathogenic (1 of 4 stars; one submission).

Conditions:
NEXMIF-related disorder. Also called: NEXMIF-related condition.

Submission:

PreventionGenetics, part of Exact Sciences
Classification: Likely pathogenic for NEXMIF-related condition. Last evaluated: 2023-09-20. Review status: criteria provided, single submitter. Criteria: ACMG Guidelines, 2015. Collection method: clinical testing. Allele origin: germline.
Comment: The NEXMIF c.614_615insTATGGGGTTCTGC variant is predicted to result in a frameshift and premature protein termination (p.Gly206Metfs*10). To our knowledge, this variant has not been reported in the literature or in a large population database, indicating this variant is rare. Frameshift variants in NEXMIF are expected to be pathogenic. This variant is interpreted as likely pathogenic.

NM_001008537.3(NEXMIF):c.614_615insTATGGGGTTCTGC (p.Gly206fs)

Gene: NEXMIF (neurite extension and migration factor; minus strand). Cytogenetic location: Xq13.3.
Variant type: Insertion.
Coding change: c.614_615insTATGGGGTTCTGC on transcript NM_001008537.3 (MANE Select); coding-DNA positions 614 to 615, TATGGGGTTCTGC inserted.
Protein change: p.Gly206fs; shifts the reading frame from glycine 206.
Molecular consequence: frameshift variant.
Genome position: GRCh38 VCF-style: chrX-74743942-T-TGCAGAACCCCATA. GRCh37 (hg19) VCF-style: chrX-73963777-T-TGCAGAACCCCATA.
Other names: short protein forms G206fs.
Identifiers: ClinVar variation 2631020 (VCV002631020.1), dbSNP rs2519916427, ClinGen allele CA2695197160.